The following is an entry in ClinVar:

NM_032043.3(BRIP1):c.898G>A (p.Glu300Lys)

Gene: BRIP1 (BRCA1 interacting DNA helicase 1; minus strand). Cytogenetic location: 17q23.2.
Variant type: single nucleotide variant.
Coding change: c.898G>A on transcript NM_032043.3 (MANE Select); coding-DNA position 898, G replaced by A.
Protein change: p.Glu300Lys; replaces glutamic acid 300 with lysine.
Molecular consequence: missense variant.
Genome position (GRCh38, 1-based): chr17:61,808,487, C>T on the plus strand (G>A on the coding strand, the complement: BRIP1 is on the minus strand). VCF-style: chr17-61808487-C-T. GRCh37 (hg19) VCF-style: chr17-59885848-C-T.
Other names: short protein forms E300K.
Identifiers: ClinVar variation 1765352 (VCV001765352.3), dbSNP rs2545192731, ClinGen allele CA400484676.

ClinVar aggregate classification (germline): Uncertain significance. Review status: criteria provided, multiple submitters, no conflicts (2 of 4 stars). 2 submissions from 2 submitters: Uncertain significance (2). Last evaluated 2026-01-28.

Conditions:
Hereditary cancer-predisposing syndrome. Also called: Neoplastic Syndromes, Hereditary; Tumor predisposition; Hereditary neoplastic syndrome; Hereditary Cancer Syndrome. Identifiers: Orphanet 140162, MedGen C0027672, MeSH D009386, MONDO:0015356.
Fanconi anemia complementation group J. Also called: BRIP1-Related Fanconi Anemia. Identifiers: Orphanet 84, MedGen C1836860, MONDO:0012187, OMIM 609054.
Familial cancer of breast. Also called: BREAST CANCER, FAMILIAL; Hereditary breast cancer; hereditary breast carcinoma. Identifiers: Orphanet 227535, MedGen C0346153, MONDO:0016419, OMIM 114480. Disease mechanism: loss of function.

Allele frequency attached by ClinVar (database versions not stated): gnomAD exomes below 0.00001.
gnomAD v4.1: 1 of 1,613,692 alleles (0.000062%); highest among the groups gnomAD compares: South Asian, 0.0011%; no homozygotes.

Submissions (2):

Labcorp Genetics (formerly Invitae), Labcorp
Classification: Uncertain significance for Familial cancer of breast; Fanconi anemia complementation group J. Last evaluated: 2026-01-28. Review status: criteria provided, single submitter. Criteria: Invitae Variant Classification Sherloc (09022015). Collection method: clinical testing. Allele origin: germline.
Comment: This sequence change replaces glutamic acid, which is acidic and polar, with lysine, which is basic and polar, at codon 300 of the BRIP1 protein (p.Glu300Lys). This variant is not present in population databases (gnomAD no frequency). This variant has not been reported in the literature in individuals affected with BRIP1-related conditions. ClinVar contains an entry for this variant (Variation ID: 1765352). Invitae Evidence Modeling of protein sequence and biophysical properties (such as structural, functional, and spatial information, amino acid conservation, physicochemical variation, residue mobility, and thermodynamic stability) indicates that this missense variant is not expected to disrupt BRIP1 protein function with a negative predictive value of 95%. In summary, the available evidence is currently insufficient to determine the role of this variant in disease. Therefore, it has been classified as a Variant of Uncertain Significance.

Ambry Genetics
Classification: Uncertain significance for Hereditary cancer-predisposing syndrome. Last evaluated: 2020-04-06. Review status: criteria provided, single submitter. Criteria: Ambry Variant Classification Scheme 2023. Collection method: clinical testing. Allele origin: germline.
Comment: The p.E300K variant (also known as c.898G>A), located in coding exon 6 of the BRIP1 gene, results from a G to A substitution at nucleotide position 898. The glutamic acid at codon 300 is replaced by lysine, an amino acid with similar properties. This amino acid position is highly conserved in available vertebrate species. In addition, the in silico prediction for this alteration is inconclusive. Since supporting evidence is limited at this time, the clinical significance of this alteration remains unclear.